The following is an entry in ClinVar:

NM_000466.3(PEX1):c.1323T>G (p.Ile441Met)

Gene: PEX1 (peroxisomal biogenesis factor 1; minus strand). Cytogenetic location: 7q21.2.
Variant type: single nucleotide variant.
Coding change: c.1323T>G on transcript NM_000466.3 (MANE Select); coding-DNA position 1323, T replaced by G.
Protein change: p.Ile441Met; replaces isoleucine 441 with methionine.
Molecular consequence: missense variant.
Genome position (GRCh38, 1-based): chr7:92,513,884, A>C on the plus strand (T>G on the coding strand, the complement: PEX1 is on the minus strand). VCF-style: chr7-92513884-A-C. GRCh37 (hg19) VCF-style: chr7-92143198-A-C.
Other names: c.1323T>G, p.Ile441Met (NM_001282677.2); c.699T>G, p.Ile233Met (NM_001282678.2); short protein forms I233M, I441M.
Identifiers: ClinVar variation 1368839 (VCV001368839.5), dbSNP rs2116221247, ClinGen allele CA368192647.

ClinVar aggregate classification (germline): Uncertain significance (1 of 4 stars; one submission).

Conditions:
Zellweger spectrum disorders (ZS). Also called: Zellweger Spectrum Disorder (ZSD); Zellweger syndrome; Zellweger Spectrum Disorder; Zellweger Spectrum. Identifiers: Orphanet 912, MedGen C0043459, MONDO:0019609.

Submission:

Labcorp Genetics (formerly Invitae), Labcorp
Classification: Uncertain significance for Zellweger spectrum disorders. Last evaluated: 2022-02-02. Review status: criteria provided, single submitter. Criteria: Invitae Variant Classification Sherloc (09022015). Collection method: clinical testing. Allele origin: germline.
Comment: This sequence change replaces isoleucine, which is neutral and non-polar, with methionine, which is neutral and non-polar, at codon 441 of the PEX1 protein (p.Ile441Met). This variant is not present in population databases (gnomAD no frequency). This variant has not been reported in the literature in individuals affected with PEX1-related conditions. Advanced modeling of protein sequence and biophysical properties (such as structural, functional, and spatial information, amino acid conservation, physicochemical variation, residue mobility, and thermodynamic stability) performed at Invitae indicates that this missense variant is not expected to disrupt PEX1 protein function. In summary, the available evidence is currently insufficient to determine the role of this variant in disease. Therefore, it has been classified as a Variant of Uncertain Significance.